The following is an entry in ClinVar:

NM_006208.3(ENPP1):c.1334A>C (p.Lys445Thr)

Gene: ENPP1 (ectonucleotide pyrophosphatase/phosphodiesterase 1; plus strand). Cytogenetic location: 6q23.2.
Variant type: single nucleotide variant.
Coding change: c.1334A>C on transcript NM_006208.3 (MANE Select); coding-DNA position 1334, A replaced by C.
Protein change: p.Lys445Thr; replaces lysine 445 with threonine.
Molecular consequence: missense variant.
Genome position (GRCh38, 1-based): chr6:131,869,418, A>C. VCF-style: chr6-131869418-A-C. GRCh37 (hg19) VCF-style: chr6-132190558-A-C.
Other names: short protein forms K445T.
Identifiers: ClinVar variation 3341939 (VCV003341939.16).
Genomic context (GRCh38, chr6:131,869,418, plus strand): 5'-GCATGGAACAAGGCAGTTGTAAGAAATACATATATCTGAATAAATATTTGGGGGATGTTA[A>C]AAATATTAAAGTTATCTATGGACCTGCAGCTCGATTGAGACCCTCTGATGTCCCAGATAA-3'
Protein context (NP_006199.2, residues 435-455): IYLNKYLGDV[Lys445Thr]NIKVIYGPAA

ClinVar aggregate classification (germline): Uncertain significance (1 of 4 stars; one submission).

Submission:

CeGaT Center for Human Genetics Tuebingen
Classification: Uncertain significance. Last evaluated: 2024-08-01. Review status: criteria provided, single submitter. Criteria: CeGaT Center For Human Genetics Tuebingen Variant Classification Criteria Version 2. Collection method: clinical testing. Allele origin: germline. Affected: yes. Observed: 1 variant allele.
Comment: ENPP1: PM2, BP4